The following is an entry in ClinVar:

ClinVar aggregate classification (germline): Uncertain significance (1 of 4 stars; one submission).

gnomAD v4.1: 1 of 1,609,444 alleles (0.000062%); highest among the groups gnomAD compares: Non-Finnish European, 0.000085%; no homozygotes.

Submission:

Labcorp Genetics (formerly Invitae), Labcorp
Classification: Uncertain significance. Last evaluated: 2023-11-27. Review status: criteria provided, single submitter. Criteria: Invitae Variant Classification Sherloc (09022015). Collection method: clinical testing. Allele origin: germline.
Comment: This sequence change replaces valine, which is neutral and non-polar, with methionine, which is neutral and non-polar, at codon 1369 of the NBAS protein (p.Val1369Met). This variant is not present in population databases (gnomAD no frequency). This variant has not been reported in the literature in individuals affected with NBAS-related conditions. ClinVar contains an entry for this variant (Variation ID: 1950860). Advanced modeling of protein sequence and biophysical properties (such as structural, functional, and spatial information, amino acid conservation, physicochemical variation, residue mobility, and thermodynamic stability) performed at Invitae indicates that this missense variant is not expected to disrupt NBAS protein function with a negative predictive value of 95%. In summary, the available evidence is currently insufficient to determine the role of this variant in disease. Therefore, it has been classified as a Variant of Uncertain Significance.

NM_015909.4(NBAS):c.4105G>A (p.Val1369Met)

Gene: NBAS (NBAS subunit of NRZ tethering complex; minus strand). Cytogenetic location: 2p24.3.
Variant type: single nucleotide variant.
Coding change: c.4105G>A on transcript NM_015909.4 (MANE Select); coding-DNA position 4105, G replaced by A.
Protein change: p.Val1369Met; replaces valine 1369 with methionine.
Molecular consequence: missense variant. On other transcripts: non-coding transcript variant (1).
Genome position (GRCh38, 1-based): chr2:15,352,066, C>T on the plus strand (G>A on the coding strand, the complement: NBAS is on the minus strand). VCF-style: chr2-15352066-C-T. GRCh37 (hg19) VCF-style: chr2-15492190-C-T.
Other names: short protein forms V1369M.
Identifiers: ClinVar variation 1950860 (VCV001950860.5), dbSNP rs542454421, ClinGen allele CA345888047.